The following is an entry in ClinVar:

Conditions:
Long QT syndrome 5 (LQT5). Identifiers: Orphanet 101016, Orphanet 768, MedGen C1867904, MONDO:0013372, OMIM 613695.

Submission:

Roden Lab, Vanderbilt University Medical Center
No classification provided (evidence only). Condition: Long QT syndrome 5. Review status: no classification provided. Collection method: in vitro. Allele origin: not applicable. Functional consequence: Effect on ion channel function.
ClinVar note: "not provided" was previously submitted as the classification for the variant. However, the classification appeared to be based only on an observation of functional data so it was converted to no classification on 2025-07-30.

NM_000219.6(KCNE1):c.320A>T (p.Tyr107Phe)

Gene: KCNE1 (potassium voltage-gated channel subfamily E regulatory subunit 1; minus strand). Cytogenetic location: 21q22.12.
Variant type: single nucleotide variant.
Coding change: c.320A>T on transcript NM_000219.6 (MANE Select); coding-DNA position 320, A replaced by T.
Protein change: p.Tyr107Phe; replaces tyrosine 107 with phenylalanine.
Molecular consequence: missense variant.
Genome position (GRCh38, 1-based): chr21:34,449,315, T>A on the plus strand (A>T on the coding strand, the complement: KCNE1 is on the minus strand). VCF-style: chr21-34449315-T-A. GRCh37 (hg19) VCF-style: chr21-35821613-T-A.
Other names: c.320A>T, p.Tyr107Phe (NM_001127668.4, NM_001127669.4, NM_001127670.4 and 4 more transcripts); short protein forms Y107F.
Identifiers: ClinVar variation 3374631 (VCV003374631.2).